The following is an entry in ClinVar:

ClinVar aggregate classification (germline): Likely pathogenic. Review status: reviewed by expert panel (3 of 4 stars). 4 submissions from 4 submitters: Likely pathogenic (1). 3 of the submissions do not count toward it. Last evaluated 2024-01-28.

Conditions:
Monogenic diabetes. Identifiers: Orphanet 183625, MedGen C3888631, MONDO:0015967.
Maturity-onset diabetes of the young (MODY). Also called: Maturity onset diabetes mellitus in young. Identifiers: Orphanet 552, MedGen C0342276, MONDO:0018911, HP:0004904.

Submissions (4):

ClinGen Monogenic Diabetes Variant Curation Expert Panel
Classification: Likely pathogenic for Monogenic diabetes. Last evaluated: 2024-01-28. Review status: reviewed by expert panel. Criteria: ClinGen Diabetes ACMG Specifications HNF1A V2.1.0. Collection method: curation. Allele origin: germline. Inheritance: Autosomal dominant inheritance.
Comment: The c.511C>G variant in the HNF1 homeobox A gene, HNF1A, causes an amino acid change of arginine to glycine at codon 171 (p.(Arg171Gly)) of NM_000545.8. This variant is predicted to be deleterious by computational evidence, with a REVEL score of 0.888, which is greater than the MDEP VCEP threshold of 0.70 (PP3). This variant was identified in 4 unrelated individuals with non- autoimmune and non-absolute/near-absolute insulin-deficient diabetes (PS4_Moderate; PMIDs: 26853433 and 31291970, internal lab contributors). One of these individuals had a clinical history highly specific for HNF1A-MODY (MODY probability calculator result >50%, negative genetic testing for HNF4A, and negative antibodies) (PP4_Moderate; internal lab contributors). Additionally, this variant is located within a conserved region of the DNA binding domain (codons 107-174 and 201-280) of HNF1A, which is defined as critical for the protein’s function by the ClinGen MDEP (PM1_Supporting). This variant is absent from gnomAD v2.1.1 (PM2_Supporting). In summary, c.511C>G meets the criteria to be classified as likely pathogenic for monogenic diabetes. ACMG/AMP criteria applied, as specified by the ClinGen MDEP (specification version 2.1.0, approved 8/11/2023): PS4_Moderate, PP3, PP4, PM1_Supporting, PM2_Supporting.

GeneDx
Classification: Likely pathogenic. Last evaluated: 2025-05-05. Review status: criteria provided, single submitter. Criteria: GeneDx Variant Classification Process June 2021. Collection method: clinical testing. Allele origin: germline. Affected: yes. Not counted in ClinVar's aggregate classification.
Comment: Not observed at significant frequency in large population cohorts (gnomAD); In silico analysis supports that this missense variant has a deleterious effect on protein structure/function; In silico analysis suggests this variant may impact gene splicing; in the absence of RNA/functional studies the actual effect of this sequence change is unknown; This variant is associated with the following publications: (PMID: 12453420, 18003757, 26853433, 31291970, 19336507, 29439679)

Labcorp Genetics (formerly Invitae), Labcorp
Classification: Pathogenic. Last evaluated: 2021-10-13. Review status: criteria provided, single submitter. Criteria: Invitae Variant Classification Sherloc (09022015). Collection method: clinical testing. Allele origin: germline. Not counted in ClinVar's aggregate classification.
Comment: This variant is not present in population databases (ExAC no frequency). For these reasons, this variant has been classified as Pathogenic. Experimental studies have shown that this missense change affects HNF1A function (PMID: 26853433). Advanced modeling of protein sequence and biophysical properties (such as structural, functional, and spatial information, amino acid conservation, physicochemical variation, residue mobility, and thermodynamic stability) performed at Invitae indicates that this missense variant is expected to disrupt HNF1A protein function. This missense change has been observed in individuals with maturity-onset diabetes of the young (PMID: 19336507, 29439679; Invitae). This sequence change replaces arginine with glycine at codon 171 of the HNF1A protein (p.Arg171Gly). The arginine residue is highly conserved and there is a moderate physicochemical difference between arginine and glycine.

Molecular Genetics, Madras Diabetes Research Foundation
Classification: Pathogenic for Maturity-onset diabetes of the young. Review status: criteria provided, single submitter. Criteria: ACMG Guidelines, 2015. Collection method: clinical testing. Allele origin: germline. Affected: yes. Not counted in ClinVar's aggregate classification.

Literature cited by the submitters: PubMed 26853433 (cited by Labcorp Genetics (formerly Invitae), Labcorp and Molecular Genetics, Madras Diabetes Research Foundation); PubMed 19336507 (cited by Labcorp Genetics (formerly Invitae), Labcorp and Molecular Genetics, Madras Diabetes Research Foundation); PubMed 29439679 (cited by Labcorp Genetics (formerly Invitae), Labcorp).

NM_000545.8(HNF1A):c.511C>G (p.Arg171Gly)

Gene: HNF1A (HNF1 homeobox A; plus strand). Cytogenetic location: 12q24.31.
Variant type: single nucleotide variant.
Coding change: c.511C>G on transcript NM_000545.8 (MANE Select); coding-DNA position 511, C replaced by G.
Protein change: p.Arg171Gly; replaces arginine 171 with glycine.
Molecular consequence: missense variant.
Genome position (GRCh38, 1-based): chr12:120,989,017, C>G. VCF-style: chr12-120989017-C-G. GRCh37 (hg19) VCF-style: chr12-121426820-C-G.
Other names: NM_000545.8(HNF1A):c.511C>G; p.Arg171Gly; c.511C>G, p.Arg171Gly (NM_001306179.2); c.511C>G (NM_000545.5); short protein forms R171G.
Identifiers: ClinVar variation 1384058 (VCV001384058.9), dbSNP rs1057520291, ClinGen allele CA386960701.